The following is an entry in ClinVar:

NM_005932.4(MIPEP):c.485T>G (p.Leu162Trp)

Gene: MIPEP (mitochondrial intermediate peptidase; minus strand). Cytogenetic location: 13q12.12.
Variant type: single nucleotide variant.
Coding change: c.485T>G on transcript NM_005932.4 (MANE Select); coding-DNA position 485, T replaced by G.
Protein change: p.Leu162Trp; replaces leucine 162 with tryptophan.
Molecular consequence: missense variant.
Genome position (GRCh38, 1-based): chr13:23,879,322, A>C on the plus strand (T>G on the coding strand, the complement: MIPEP is on the minus strand). VCF-style: chr13-23879322-A-C. GRCh37 (hg19) VCF-style: chr13-24453461-A-C.
Other names: short protein forms L162W.
Identifiers: ClinVar variation 584430 (VCV000584430.3), dbSNP rs768628283, ClinGen allele CA6913318.

ClinVar aggregate classification (germline): Uncertain significance (1 of 4 stars; one submission).

Conditions:
Lethal left ventricular non-compaction-seizures-hypotonia-cataract-developmental delay syndrome. Also called: Combined oxidative phosphorylation deficiency 31. Identifiers: Orphanet 478049, MedGen C4310661, MONDO:0014976, OMIM 617228.

Allele frequency attached by ClinVar (database versions not stated): gnomAD 0.00001; TOPMed 0.00002; gnomAD exomes 0.00003 and 0.00006; ExAC 0.00007.
gnomAD v4.1: 16 of 1,599,858 alleles (0.001%); highest among the groups gnomAD compares: Admixed American, 0.027%; no homozygotes.

Submission:

Undiagnosed Diseases Network, NIH
Classification: Uncertain significance for Lethal left ventricular non-compaction-seizures-hypotonia-cataract-developmental delay syndrome. Last evaluated: 2017-08-14. Review status: criteria provided, single submitter. Criteria: ACMG Guidelines, 2015. Collection method: clinical testing. Allele origin: paternal. Inheritance: Autosomal recessive inheritance. Affected: yes. Observed: 1 variant allele, 1 compound heterozygote. Study: Undiagnosed Diseases Network (NIH), UDN.